The following is an entry in ClinVar:

NM_018965.4(TREM2):c.204C>G (p.Asn68Lys)

Gene: TREM2 (triggering receptor expressed on myeloid cells 2; minus strand). Cytogenetic location: 6p21.1.
Variant type: single nucleotide variant.
Coding change: c.204C>G on transcript NM_018965.4 (MANE Select); coding-DNA position 204, C replaced by G.
Protein change: p.Asn68Lys; replaces asparagine 68 with lysine.
Molecular consequence: missense variant.
Genome position (GRCh38, 1-based): chr6:41,161,450, G>C on the plus strand (C>G on the coding strand, the complement: TREM2 is on the minus strand). VCF-style: chr6-41161450-G-C. GRCh37 (hg19) VCF-style: chr6-41129188-G-C.
Other names: c.204C>G, p.Asn68Lys (NM_001271821.2); short protein forms N68K.
Identifiers: ClinVar variation 502006 (VCV000502006.11), dbSNP rs753372932, ClinGen allele CA3798947.
Genomic context (GRCh38, chr6:41,161,450, plus strand): 5'-GGTATCGTCTGTGATGGCTGTGCTCCCATTCCACCTCCTCAGGAAGGACAGCAGCCACAA[G>C]TTGTGCGTGCTGACCACACGCTGGCATGGGCCCTTCTCTCCCAGCTGGCGGCACCAGGCC-3'
Protein context (NP_061838.1, residues 58-78): GPCQRVVSTH[Asn68Lys]LWLLSFLRRW

ClinVar aggregate classification (germline): Uncertain significance. Review status: criteria provided, multiple submitters, no conflicts (2 of 4 stars). 2 submissions from 2 submitters: Uncertain significance (2). Last evaluated 2022-08-03.

Allele frequency attached by ClinVar (database versions not stated): ExAC 0.00002; gnomAD exomes 0.00003 and 0.00006; TOPMed 0.00003.
gnomAD v4.1: 85 of 1,614,152 alleles (0.0053%); highest among the groups gnomAD compares: Non-Finnish European, 0.0065%; no homozygotes.

Submissions (2):

Labcorp Genetics (formerly Invitae), Labcorp
Classification: Uncertain significance. Last evaluated: 2022-08-03. Review status: criteria provided, single submitter. Criteria: Invitae Variant Classification Sherloc (09022015). Collection method: clinical testing. Allele origin: germline.
Comment: This sequence change replaces asparagine, which is neutral and polar, with lysine, which is basic and polar, at codon 68 of the TREM2 protein (p.Asn68Lys). This variant is present in population databases (rs753372932, gnomAD 0.009%). This variant has not been reported in the literature in individuals affected with TREM2-related conditions. ClinVar contains an entry for this variant (Variation ID: 502006). Algorithms developed to predict the effect of missense changes on protein structure and function (SIFT, PolyPhen-2, Align-GVGD) all suggest that this variant is likely to be tolerated. Experimental studies have shown that this missense change does not substantially affect TREM2 function (PMID: 27995897). In summary, the available evidence is currently insufficient to determine the role of this variant in disease. Therefore, it has been classified as a Variant of Uncertain Significance.

Eurofins Ntd Llc (ga)
Classification: Uncertain significance. Last evaluated: 2017-05-30. Review status: criteria provided, single submitter. Criteria: EGL Classification Definitions 2015. Collection method: clinical testing. Allele origin: germline. Observed: 1 variant allele, 1 heterozygote.

Literature cited by the submitters: PubMed 27995897 (cited by Labcorp Genetics (formerly Invitae), Labcorp).